The following is an entry in ClinVar:

NM_007294.4(BRCA1):c.22G>T (p.Val8Phe)

Gene: BRCA1 (BRCA1 DNA repair associated; minus strand). Cytogenetic location: 17q21.31.
Variant type: single nucleotide variant.
Coding change: c.22G>T on transcript NM_007294.4 (MANE Select); coding-DNA position 22, G replaced by T.
Protein change: p.Val8Phe; replaces valine 8 with phenylalanine.
Molecular consequence: missense variant. On other transcripts: 5 prime UTR variant (1), non-coding transcript variant (1).
Genome position (GRCh38, 1-based): chr17:43,124,075, C>A on the plus strand (G>T on the coding strand, the complement: BRCA1 is on the minus strand). VCF-style: chr17-43124075-C-A. GRCh37 (hg19) VCF-style: chr17-41276092-C-A.
Other names: c.-167G>T (NM_001407571.1, NM_001407853.1, NM_001407879.1 and 46 more transcripts); c.22G>T, p.Val8Phe (NM_001407581.1, NM_001407582.1, NM_001407583.1 and 193 more transcripts); c.-236G>T (NM_001407694.1, NM_001407724.1, NM_001407727.1 and 11 more transcripts); c.-240G>T (NM_001407695.1, NM_001408465.1); c.-381G>T (NM_001407696.1); c.-265G>T (NM_001407697.1, NM_001407846.1, NM_001407920.1); c.-66G>T (NM_001407698.1, NM_001407732.1, NM_001407736.1 and 23 more transcripts); c.-239G>T (NM_001407725.1, NM_001407730.1, NM_001407734.1 and 22 more transcripts); and 8 more; short protein forms V8F.
Identifiers: ClinVar variation 867691 (VCV000867691.8), dbSNP rs528902306, ClinGen allele CA10602119.
Genomic context (GRCh38, chr17:43,124,075, plus strand): 5'-ACCAGATGGGACACTCTAAGATTTTCTGCATAGCATTAATGACATTTTGTACTTCTTCAA[C>A]GCGAAGAGCAGATAAATCCATTTCTTTCTGTTCCAATGAACTTTAACACATTAGAAAAAC-3'
Protein context (NP_009225.1, residues 1-18): MDLSALR[Val8Phe]EEVQNVINAM

ClinVar aggregate classification (germline): Conflicting classifications of pathogenicity. Review status: criteria provided, conflicting classifications (1 of 4 stars). 3 submissions from 3 submitters: Uncertain significance (1); Likely benign (2). Last evaluated 2024-04-12.

Conditions:
Hereditary breast ovarian cancer syndrome. Also called: Hereditary breast and ovarian cancer; Hereditary breast and ovarian cancer syndrome (HBOC); Breast and ovarian cancer; Hereditary breast and/or ovarian cancer syndrome; BRCA1- and BRCA2-Associated Hereditary Breast and Ovarian Cancer; Hereditary breast and ovarian cancer syndrome. Identifiers: Orphanet 145, MedGen C0677776, MeSH D061325, MONDO:0003582. Disease mechanism: loss of function.
Breast-ovarian cancer, familial, susceptibility to, 1 (BROVCA1). Also called: BRCA1 Hereditary Breast and Ovarian Cancer; OVARIAN CANCER, SUSCEPTIBILITY TO. Identifiers: Orphanet 145, MedGen C2676676, MONDO:0011450, OMIM 604370. Disease mechanism: loss of function.
Hereditary cancer-predisposing syndrome. Also called: Neoplastic Syndromes, Hereditary; Tumor predisposition; Hereditary Cancer Syndrome; Hereditary neoplastic syndrome. Identifiers: Orphanet 140162, MedGen C0027672, MeSH D009386, MONDO:0015356.

Submissions (4):

Lupski Lab, Baylor-Hopkins CMG, Baylor College of Medicine
Classification: Likely benign for Breast-ovarian cancer, familial, susceptibility to, 1. Last evaluated: 2024-04-12. Review status: criteria provided, single submitter. Criteria: Dawood et al. (medRxiv. 2024). Collection method: curation. Allele origin: germline.
Comment: Each variant was annotated with functional scores from MAVE data which was translated into functional evidence codes. All other evidence codes and combining criteria were adhered to as closely as possible based on the ClinGen VCEP (Variant Curation Expert Panel) gene-specific recommendations. See Supplemental Figure 34 of final paper (Supp Fig. 28 in preprint: doi:10.1101/2024.04.11.24305690) for a table to see which lines of evidence we did not have data for. The ClinGen VCEPs are highly regarded as the gold-standard for gene-specific variant curation and are developed after extensive evaluation of the evidence by clinical and scientific experts for the particular gene to classify genomic variants on a spectrum from pathogenic to benign using the 2015 ACMG/AMP Variant Interpretation Guidelines as a backbone (PMID: 25741868). Reclassification of these VUS variants from gnomAD or All of Us focused only on variants originally prescribed as VUS in ClinVar. To ensure reproducibility, transparency, and increased throughput, all the procedures for annotating variants and assigning evidence codes were codified using Python. All code has been made freely available and is linked in the Code Availability section and all reclassified variants with evidence codes used can be found in Tables S18-19 (preprint: doi:10.1101/2024.04.11.24305690). For the MAVE data, the clinical curation and clinical strength assignment as per the ClinGen recommendations in Brnich et al. (2020) (PMID: 31892348) for or against pathogenicity or benignity of each of these MAVE datasets utilized in this study were previously published in Fayer et al. (2021) (PMID: 34793697).In brief, for BRCA1 variants, if a variant was categorized as FUNC (functional), it was assigned BS3 evidence and no PS3 evidence, whereas if it was categorized as LOF (loss of function), the variant was assigned PS3 evidence and no BS3 evidence. Variants categorized as INT (intermediate) were left unannotated. For the BRCA1 combining criteria, greater than or equal to 1 criteria of strong benign evidence was enough to reclassify the VUS as Likely Benign. This variant GRCh38:17:43124075:C>A was assigned evidence codes ['BS3', 'BP4'] and an overall classification of Likely benign

Ambry Genetics
Classification: Likely benign for Hereditary cancer-predisposing syndrome. Last evaluated: 2022-08-01. Review status: criteria provided, single submitter. Criteria: Ambry Variant Classification Scheme 2023. Collection method: clinical testing. Allele origin: germline.

Breast Center, Key Laboratory of Carcinogenesis and Translational Research
Classification: Uncertain significance for Hereditary breast and ovarian cancer syndrome. Last evaluated: 2020-05-01. Review status: criteria provided, single submitter. Criteria: ACMG Guidelines, 2015. Collection method: clinical testing. Allele origin: germline. Observed: 1 variant allele.

Brotman Baty Institute, University of Washington
No classification provided (evidence only). Condition: Breast-ovarian cancer, familial 1. Review status: no classification provided. Collection method: in vitro. Allele origin: not applicable. Functional consequence: functionally_normal. Not counted in ClinVar's aggregate classification.
ClinVar note: "not provided" was previously submitted as the classification for the variant. However, the classification appeared to be based only on an observation of functional data so it was converted to no classification on 2025-07-30.

Literature cited by the submitters: PubMed 39142283 (cited by Lupski Lab, Baylor-Hopkins CMG, Baylor College of Medicine); PubMed 34793697 (cited by Lupski Lab, Baylor-Hopkins CMG, Baylor College of Medicine); DOI 10.1101/2024.04.11.24305690 (cited by Lupski Lab, Baylor-Hopkins CMG, Baylor College of Medicine); PubMed 30209399 (cited by Ambry Genetics and Breast Center, Key Laboratory of Carcinogenesis and Translational Research).